The following is an entry in ClinVar:

NM_000138.5(FBN1):c.6455A>G (p.Glu2152Gly)

Gene: FBN1 (fibrillin 1; minus strand). Cytogenetic location: 15q21.1.
Variant type: single nucleotide variant.
Coding change: c.6455A>G on transcript NM_000138.5 (MANE Select); coding-DNA position 6455, A replaced by G.
Protein change: p.Glu2152Gly; replaces glutamic acid 2152 with glycine.
Molecular consequence: missense variant.
Genome position (GRCh38, 1-based): chr15:48,437,002, T>C on the plus strand (A>G on the coding strand, the complement: FBN1 is on the minus strand). VCF-style: chr15-48437002-T-C. GRCh37 (hg19) VCF-style: chr15-48729199-T-C.
Other names: c.6455A>G, p.Glu2152Gly (NM_001406716.1); short protein forms E2152G.
Identifiers: ClinVar variation 1753617 (VCV001753617.2), dbSNP rs2505435749, ClinGen allele CA392336507.

ClinVar aggregate classification (germline): Uncertain significance (1 of 4 stars; one submission).

Conditions:
Familial thoracic aortic aneurysm and aortic dissection (TAAD). Also called: Thoracic aortic aneurysms and dissections. Identifiers: Orphanet 91387, MedGen C4707243, MONDO:0019625.

Submission:

Ambry Genetics
Classification: Uncertain significance for Familial thoracic aortic aneurysm and aortic dissection. Last evaluated: 2020-09-16. Review status: criteria provided, single submitter. Criteria: Ambry Variant Classification Scheme 2023. Collection method: clinical testing. Allele origin: germline.
Comment: The p.E2152G variant (also known as c.6455A>G), located in coding exon 52 of the FBN1 gene, results from an A to G substitution at nucleotide position 6455. The glutamic acid at codon 2152 is replaced by glycine, an amino acid with similar properties. This amino acid position is highly conserved in available vertebrate species. In addition, this alteration is predicted to be deleterious by in silico analysis. Since supporting evidence is limited at this time, the clinical significance of this alteration remains unclear.